The following is an entry in ClinVar:

ClinVar aggregate classification (germline): Uncertain significance (1 of 4 stars; one submission).

Submission:

CeGaT Center for Human Genetics Tuebingen
Classification: Uncertain significance. Last evaluated: 2025-09-01. Review status: criteria provided, single submitter. Criteria: CeGaT Center For Human Genetics Tuebingen Variant Classification Criteria Version 2. Collection method: clinical testing. Allele origin: germline. Affected: yes. Observed: 1 variant allele.
Comment: TTN: PM2

NM_001267550.2(TTN):c.105097G>A (p.Gly35033Arg)

Genes: TTN (titin; minus strand), TTN-AS1 (TTN antisense RNA 1; plus strand). Cytogenetic location: 2q31.2.
Variant type: single nucleotide variant.
Coding change: c.105097G>A on transcript NM_001267550.2 (MANE Select); coding-DNA position 105097, G replaced by A.
Protein change: p.Gly35033Arg; replaces glycine 35033 with arginine.
Molecular consequence: missense variant.
Genome position (GRCh38, 1-based): chr2:178,531,518, C>T on the plus strand (G>A on the coding strand, the complement: TTN is on the minus strand). VCF-style: chr2-178531518-C-T. GRCh37 (hg19) VCF-style: chr2-179396245-C-T.
Other names: c.100174G>A, p.Gly33392Arg (NM_001256850.1); c.77902G>A, p.Gly25968Arg (NM_003319.4); c.97393G>A, p.Gly32465Arg (NM_133378.4); c.78277G>A, p.Gly26093Arg (NM_133432.3); c.78478G>A, p.Gly26160Arg (NM_133437.4); short protein forms G25968R, G26093R, G26160R, G32465R, G33392R, G35033R.
Identifiers: ClinVar variation 4281340 (VCV004281340.7).
Genomic context (GRCh38, chr2:178,531,518, plus strand): 5'-AAACAGATCTGGGGACCTCTTCATCTCTGCGTTGGGAAGCATAGGTGGTATAATCCCCTC[C>T]TGTCACGTCCAACGTTGCATAGTCAGAAGCTTCGCCCTTGTAGTTGGTGCACACAGCACG-3'
Protein context (NP_001254479.2, residues 35023-35043): ASDYATLDVT[Gly35033Arg]GDYTTYASQR